The following is an entry in ClinVar:

ClinVar aggregate classification (germline): Uncertain significance. Review status: criteria provided, multiple submitters, no conflicts (2 of 4 stars). 3 submissions from 3 submitters: Uncertain significance (2). 1 of the submissions does not count toward it. Last evaluated 2026-01-11.

Conditions:
Inborn genetic diseases. Identifiers: MedGen C0950123, MeSH D030342.
MSN-related disorder. Also called: MSN-related condition.

Allele frequency attached by ClinVar (database versions not stated): TOPMed below 0.00001; ExAC 0.00002; gnomAD 0.00002; gnomAD exomes 0.00004.
gnomAD v4.1: 43 of 1,203,685 alleles (0.0036%); highest among the groups gnomAD compares: Admixed American, 0.0044%; no homozygotes.

Submissions (3):

Labcorp Genetics (formerly Invitae), Labcorp
Classification: Uncertain significance. Last evaluated: 2026-01-11. Review status: criteria provided, single submitter. Criteria: Invitae Variant Classification Sherloc (09022015). Collection method: clinical testing. Allele origin: germline.
Comment: This sequence change replaces threonine, which is neutral and polar, with serine, which is neutral and polar, at codon 369 of the MSN protein (p.Thr369Ser). This variant is present in population databases (rs774396765, gnomAD 0.004%), including at least one homozygous and/or hemizygous individual. This variant has not been reported in the literature in individuals affected with MSN-related conditions. ClinVar contains an entry for this variant (Variation ID: 2056255). An algorithm developed to predict the effect of missense changes on protein structure and function (PolyPhen-2) suggests that this variant is likely to be disruptive. In summary, the available evidence is currently insufficient to determine the role of this variant in disease. Therefore, it has been classified as a Variant of Uncertain Significance.

Ambry Genetics
Classification: Uncertain significance for Inborn genetic diseases. Last evaluated: 2025-01-20. Review status: criteria provided, single submitter. Criteria: Ambry Variant Classification Scheme 2023. Collection method: clinical testing. Allele origin: germline.

PreventionGenetics, part of Exact Sciences
Classification: Uncertain significance for MSN-related condition. Last evaluated: 2024-05-24. Review status: no assertion criteria provided. Collection method: clinical testing. Allele origin: germline. Not counted in ClinVar's aggregate classification.
Comment: The MSN c.1106C>G variant is predicted to result in the amino acid substitution p.Thr369Ser. To our knowledge, this variant has not been reported in the literature. This variant is reported in 0.0038% of alleles in individuals of Latino descent in gnomAD, including one hemizygous individual in another subpopulation. Although we suspect that this variant may be benign, at this time, the clinical significance of this variant is uncertain due to the absence of conclusive functional and genetic evidence.

NM_002444.3(MSN):c.1106C>G (p.Thr369Ser)

Gene: MSN (moesin; plus strand). Cytogenetic location: Xq12.
Variant type: single nucleotide variant.
Coding change: c.1106C>G on transcript NM_002444.3 (MANE Select); coding-DNA position 1106, C replaced by G.
Protein change: p.Thr369Ser; replaces threonine 369 with serine.
Molecular consequence: missense variant.
Genome position (GRCh38, 1-based): chrX:65,737,193, C>G. VCF-style: chrX-65737193-C-G. GRCh37 (hg19) VCF-style: chrX-64957055-C-G.
Other names: c.1106C>G (NM_002444.2); short protein forms T369S.
Identifiers: ClinVar variation 2056255 (VCV002056255.6), dbSNP rs774396765, ClinGen allele CA10434617.